The following is an entry in ClinVar:

NM_004456.5(EZH2):c.211C>G (p.Leu71Val)

Gene: EZH2 (enhancer of zeste 2 polycomb repressive complex 2 subunit; minus strand). Cytogenetic location: 7q36.1.
Variant type: single nucleotide variant.
Coding change: c.211C>G on transcript NM_004456.5 (MANE Select); coding-DNA position 211, C replaced by G.
Protein change: p.Leu71Val; replaces leucine 71 with valine.
Molecular consequence: missense variant.
Genome position (GRCh38, 1-based): chr7:148,846,505, G>C on the plus strand (C>G on the coding strand, the complement: EZH2 is on the minus strand). VCF-style: chr7-148846505-G-C. GRCh37 (hg19) VCF-style: chr7-148543597-G-C.
Other names: c.211C>G, p.Leu71Val (NM_001203247.2, NM_001203248.2, NM_001203249.2 and 1 more transcripts); short protein forms L71V.
Identifiers: ClinVar variation 5020458 (VCV005020458.1).

ClinVar aggregate classification (germline): Uncertain significance (1 of 4 stars; one submission).

gnomAD v4.1: 1 of 1,613,770 alleles (0.000062%); highest among the groups gnomAD compares: Non-Finnish European, 0.000085%; no homozygotes.

Submission:

Dasa
Classification: Uncertain significance. Last evaluated: 2026-05-29. Review status: criteria provided, single submitter. Criteria: DASA Assertion Criteria. Collection method: clinical testing. Allele origin: germline.
Comment: NM_004456.5(EZH2):c.211C>G (p.Leu71Val) is a missense variant that results in the substitution of leucine with valine. This variant is rare in population databases. The currently available literature and clinical evidence are not sufficient to establish a definitive association between this variant and the reported condition. Therefore, this variant is classified as a variant of uncertain significance.